The following is an entry in ClinVar:

ClinVar aggregate classification (germline): Uncertain significance. Review status: criteria provided, multiple submitters, no conflicts (2 of 4 stars). 2 submissions from 2 submitters: Uncertain significance (2). Last evaluated 2023-07-31.

Conditions:
Nemaline myopathy 6 (NEM6). Also called: Nemaline myopathy 6, autosomal dominant. Identifiers: Orphanet 171439, MedGen C1836472, MONDO:0012237, OMIM 609273.

Submissions (2):

Labcorp Genetics (formerly Invitae), Labcorp
Classification: Uncertain significance for Nemaline myopathy 6. Last evaluated: 2023-07-31. Review status: criteria provided, single submitter. Criteria: Invitae Variant Classification Sherloc (09022015). Collection method: clinical testing. Allele origin: germline.
Comment: This sequence change replaces glycine, which is neutral and non-polar, with cysteine, which is neutral and slightly polar, at codon 39 of the KBTBD13 protein (p.Gly39Cys). The frequency data for this variant in the population databases is considered unreliable, as metrics indicate poor data quality at this position in the gnomAD database. This variant has not been reported in the literature in individuals affected with KBTBD13-related conditions. ClinVar contains an entry for this variant (Variation ID: 1305629). Advanced modeling of protein sequence and biophysical properties (such as structural, functional, and spatial information, amino acid conservation, physicochemical variation, residue mobility, and thermodynamic stability) performed at Invitae indicates that this missense variant is expected to disrupt KBTBD13 protein function. In summary, the available evidence is currently insufficient to determine the role of this variant in disease. Therefore, it has been classified as a Variant of Uncertain Significance.

GeneDx
Classification: Uncertain significance. Last evaluated: 2019-03-01. Review status: criteria provided, single submitter. Criteria: GeneDx Variant Classification Process June 2021. Collection method: clinical testing. Allele origin: germline. Affected: yes.
Comment: In silico analysis, which includes protein predictors and evolutionary conservation, supports a deleterious effect; Has not been previously published as pathogenic or benign to our knowledge

NM_001101362.3(KBTBD13):c.115G>T (p.Gly39Cys)

Gene: KBTBD13 (kelch repeat and BTB domain containing 13; plus strand). Cytogenetic location: 15q22.31.
Variant type: single nucleotide variant.
Coding change: c.115G>T on transcript NM_001101362.3 (MANE Select); coding-DNA position 115, G replaced by T.
Protein change: p.Gly39Cys; replaces glycine 39 with cysteine.
Molecular consequence: missense variant.
Genome position (GRCh38, 1-based): chr15:65,076,930, G>T. VCF-style: chr15-65076930-G-T. GRCh37 (hg19) VCF-style: chr15-65369268-G-T.
Other names: short protein forms G39C.
Identifiers: ClinVar variation 1305629 (VCV001305629.5), dbSNP rs201420126, ClinGen allele CA392856498.